The following is an entry in ClinVar:

ClinVar aggregate classification (germline): Likely benign. Review status: criteria provided, multiple submitters, no conflicts (2 of 4 stars). 2 submissions from 2 submitters: Likely benign (2). Last evaluated 2026-01-09.

Conditions:
EVC2-related disorder. Also called: EVC2-related condition.
Curry-Hall syndrome (WAD). Also called: WEYERS ACRODENTAL DYSOSTOSIS. Identifiers: Orphanet 952, MedGen C0457013, MONDO:0008673, OMIM 193530.
Ellis-van Creveld syndrome (EVC). Also called: MESOECTODERMAL DYSPLASIA; Chondroectodermal dysplasia. Identifiers: Orphanet 289, MedGen C0013903, MONDO:0009162, OMIM 225500.

Allele frequency attached by ClinVar (database versions not stated): gnomAD 0.00001 and 0.00006; TOPMed 0.00005; gnomAD exomes 0.00006; ExAC 0.00008; ESP Exome Variant Server 0.00008; 1000 Genomes Project 30x 0.00047; 1000 Genomes Project 0.00060.
gnomAD v4.1: 58 of 1,614,066 alleles (0.0036%); highest among the groups gnomAD compares: African/African-American, 0.02%; no homozygotes.

Submissions (2):

Labcorp Genetics (formerly Invitae), Labcorp
Classification: Likely benign for Curry-Hall syndrome; Ellis-van Creveld syndrome. Last evaluated: 2026-01-09. Review status: criteria provided, single submitter. Criteria: Invitae Variant Classification Sherloc (09022015). Collection method: clinical testing. Allele origin: germline.

PreventionGenetics, part of Exact Sciences
Classification: Likely benign for EVC2-related condition. Last evaluated: 2024-11-25. Review status: criteria provided, single submitter. Criteria: ACMG Guidelines, 2015. Collection method: clinical testing. Allele origin: germline.
Comment: This variant is classified as likely benign based on ACMG/AMP sequence variant interpretation guidelines (Richards et al. 2015 PMID: 25741868, with internal and published modifications).

NM_147127.5(EVC2):c.2193C>T (p.Ala731=)

Gene: EVC2 (EvC ciliary complex subunit 2; minus strand). Cytogenetic location: 4p16.2.
Variant type: single nucleotide variant.
Coding change: c.2193C>T on transcript NM_147127.5 (MANE Select); coding-DNA position 2193, C replaced by T.
Protein change: p.Ala731=; no amino-acid change (alanine 731 retained).
Molecular consequence: synonymous variant.
Genome position (GRCh38, 1-based): chr4:5,622,845, G>A on the plus strand (C>T on the coding strand, the complement: EVC2 is on the minus strand). VCF-style: chr4-5622845-G-A. GRCh37 (hg19) VCF-style: chr4-5624572-G-A.
Other names: c.1953C>T, p.Ala651= (NM_001166136.2).
Identifiers: ClinVar variation 771256 (VCV000771256.13), dbSNP rs143262952, ClinGen allele CA2834781.